The following is an entry in ClinVar:

NM_000388.4(CASR):c.346G>A (p.Ala116Thr)

Gene: CASR (calcium sensing receptor; plus strand). Cytogenetic location: 3q21.1.
Variant type: single nucleotide variant.
Coding change: c.346G>A on transcript NM_000388.4 (MANE Select); coding-DNA position 346, G replaced by A.
Protein change: p.Ala116Thr; replaces alanine 116 with threonine.
Molecular consequence: missense variant.
Genome position (GRCh38, 1-based): chr3:122,257,241, G>A. VCF-style: chr3-122257241-G-A. GRCh37 (hg19) VCF-style: chr3-121976088-G-A.
Other names: c.346G>A, p.Ala116Thr (NM_001178065.2); short protein forms A116T.
Identifiers: ClinVar variation 8321 (VCV000008321.7), dbSNP rs104893691, ClinGen allele CA119481.
Genomic context (GRCh38, chr3:122,257,241, plus strand): 5'-AGGATATTTGACACTTGCAACACCGTTTCTAAGGCCTTGGAAGCCACCCTGAGTTTTGTT[G>A]CTCAAAACAAAATTGATTCTTTGAACCTTGATGAGTTCTGCAACTGCTCAGAGCACATTC-3'
Protein context (NP_000379.3, residues 106-126): KALEATLSFV[Ala116Thr]QNKIDSLNLD

ClinVar aggregate classification (germline): Conflicting classifications of pathogenicity. Review status: criteria provided, conflicting classifications (1 of 4 stars). 4 submissions from 4 submitters: Likely pathogenic (2); Uncertain significance (1). 1 of the submissions does not count toward it. Last evaluated 2026-05-21.

Conditions:
Nephrolithiasis/nephrocalcinosis. Identifiers: MedGen CN580796.
Autosomal dominant hypocalcemia 1 (HYPOC1). Also called: HYPOCALCEMIA, FAMILIAL. Identifiers: MedGen C3715128, MONDO:0011013, OMIM 601198.

Submissions (4):

Victorian Clinical Genetics Services, Murdoch Childrens Research Institute
Classification: Likely pathogenic for Autosomal dominant hypocalcemia 1. Last evaluated: 2026-05-21. Review status: criteria provided, single submitter. Criteria: ACMG Guidelines, 2015. Collection method: clinical testing. Allele origin: germline. Affected: yes.
Comment: This variant is classified as Likely pathogenic. Evidence in support of pathogenic classification: Variant is absent from gnomAD (v2, v3 and v4); This variant has moderate previous evidence of pathogenicity in unrelated individuals. This variant has been classified as likely pathogenic and as a VUS by clinical laboratories in ClinVar. This variant has also been reported as de novo in an individual with hypoparathyroidism, and inherited by the individual's daughter who was also affected (PMID: 8733126); This variant is located within a cluster of pathogenic missense variants in the extracellular domain which are associated with an activating shift in receptor sensitivity (DECIPHER, PMID: 25150870). Additional information: Variant is predicted to result in a missense amino acid change from Ala to Thr; This variant is heterozygous; This gene is associated with both recessive and dominant disease (OMIM); This variant has moderate functional evidence supporting abnormal protein function. In vitro studies show that this variant increases the receptor's sensitivity to activation by Ca2+ (PMIDs: 11089548, 10217436). However, patch clamp assays have been shown to be unreliable, therefore results from these studies are used with caution during variant classification; Other missense variants comparable to the one identified in this case have inconclusive previous evidence for pathogenicity. The p.(Ala116Pro) and p.(Ala116Gly) variants have been classified as a VUS by clinical laboratories in ClinVar. Additionally, the p.(Ala116Pro) and p.(Ala116Val) variants have been reported in the literature in a heterozygous state in individuals with hypocalcaemic hypercalciuria (PMIDs: 22422767, 34714514); Missense variant with inconclusive in silico prediction and/or uninformative conservation; Loss of function and gain of function are known mechanisms of disease in this gene. Loss of function is associated with hypocalciuric hypercalcaemia, type I (MIM#145980) and autosomal recessive neonatal hyperparathyroidism (MIM#239200). Gain of function is associated with autosomal dominant hypocalcaemia (MIM#601198) (ClinGen, PMIDs: 22422767, 26646938). Dominant negative has also been suggested as the mechanism for autosomal dominant neonatal hyperparathyroidism (MIM#239200) and severe cases of hypocalciuric hypercalcaemia, type I (MIM#145980) (ClinGen); Variants in this gene are known to have variable expressivity. Intrafamilial variability has been reported (PMID: 11807402); Inheritance information for this variant is not currently available in this individual.

Ambry Genetics
Classification: Uncertain significance for Nephrolithiasis/nephrocalcinosis. Last evaluated: 2024-09-03. Review status: criteria provided, single submitter. Criteria: Ambry Variant Classification Scheme 2023. Collection method: clinical testing. Allele origin: germline.

Genetic Services Laboratory, University of Chicago
Classification: Likely pathogenic. Last evaluated: 2018-11-08. Review status: criteria provided, single submitter. Criteria: ACMG Guidelines, 2015. Collection method: clinical testing. Allele origin: germline. Affected: yes.
Comment: DNA sequence analysis of the CASR gene demonstrated a sequence change, c.346G>A, in exon 3 that results in an amino acid change, p.Ala116Thr. The p.Ala116Thr change affects a highly conserved amino acid residue located in a domain of the CASR protein that is known to be functional. The p.Ala116Thr substitution appears to be deleterious using several in-silico pathogenicity prediction tools (SIFT, PolyPhen2, Align GVGD, REVEL). This particular sequence change has been previously described as a de novo variant in one family with autosomal dominant hypocalcemia (PMID: 8733126). Affected members had low serum parathyroid hormone (PTH) and low serum calcium concentrations and presented with muscle cramps. Despite low serum calcium concentrations, affected members had significant hypercalciuria that was suggestive of the p.Ala116Thr being an activating mutation (PMID: 8733126).

OMIM
Classification: Pathogenic for HYPOCALCEMIA, AUTOSOMAL DOMINANT 1. Last evaluated: 1996-05-01. Review status: no assertion criteria provided. Collection method: literature only. Allele origin: germline. Not counted in ClinVar's aggregate classification.

Literature cited by the submitters: PubMed 10217436 (cited by Victorian Clinical Genetics Services, Murdoch Childrens Research Institute); PubMed 25150870 (cited by Victorian Clinical Genetics Services, Murdoch Childrens Research Institute); PubMed 34714514 (cited by Victorian Clinical Genetics Services, Murdoch Childrens Research Institute); PubMed 11807402 (cited by Victorian Clinical Genetics Services, Murdoch Childrens Research Institute); PubMed 11089548 (cited by Victorian Clinical Genetics Services, Murdoch Childrens Research Institute); PubMed 26646938 (cited by Victorian Clinical Genetics Services, Murdoch Childrens Research Institute); PubMed 22422767 (cited by Victorian Clinical Genetics Services, Murdoch Childrens Research Institute); PubMed 8733126 (cited by Victorian Clinical Genetics Services, Murdoch Childrens Research Institute and OMIM).